The following is an entry in ClinVar:

NM_001009999.3(KDM1A):c.995G>A (p.Arg332His)

Gene: KDM1A (lysine demethylase 1A; plus strand). Cytogenetic location: 1p36.12.
Variant type: single nucleotide variant.
Coding change: c.995G>A on transcript NM_001009999.3 (MANE Select); coding-DNA position 995, G replaced by A.
Protein change: p.Arg332His; replaces arginine 332 with histidine.
Molecular consequence: missense variant.
Genome position (GRCh38, 1-based): chr1:23,057,488, G>A. VCF-style: chr1-23057488-G-A. GRCh37 (hg19) VCF-style: chr1-23383981-G-A.
Other names: c.935G>A, p.Arg312His (NM_001363654.2, NM_001410763.1, NM_015013.4); c.995G>A, p.Arg332His (NM_001410762.1); c.995G>A (NM_001009999.2); short protein forms R312H, R332H.
Identifiers: ClinVar variation 2097905 (VCV002097905.5), dbSNP rs1473243412, ClinGen allele CA338963529.

ClinVar aggregate classification (germline): Uncertain significance. Review status: criteria provided, multiple submitters, no conflicts (2 of 4 stars). 2 submissions from 2 submitters: Uncertain significance (2). Last evaluated 2025-05-31.

Conditions:
Inborn genetic diseases. Identifiers: MedGen C0950123, MeSH D030342.

Allele frequency attached by ClinVar (database versions not stated): gnomAD 0.00001; gnomAD exomes 0.00001; TOPMed 0.00001.
gnomAD v4.1: 10 of 1,613,422 alleles (0.00062%); highest among the groups gnomAD compares: Admixed American, 0.005%; no homozygotes.

Submissions (2):

Ambry Genetics
Classification: Uncertain significance for Inborn genetic diseases. Last evaluated: 2025-05-31. Review status: criteria provided, single submitter. Criteria: Ambry Variant Classification Scheme 2023. Collection method: clinical testing. Allele origin: germline.
Comment: The p.R332H variant (also known as c.995G>A), located in coding exon 8 of the KDM1A gene, results from a G to A substitution at nucleotide position 995. The arginine at codon 332 is replaced by histidine, an amino acid with highly similar properties. This amino acid position is conserved. In addition, this alteration is predicted to be deleterious by in silico analysis. Based on the available evidence, the clinical significance of this variant remains unclear.

Labcorp Genetics (formerly Invitae), Labcorp
Classification: Uncertain significance. Last evaluated: 2025-02-20. Review status: criteria provided, single submitter. Criteria: Invitae Variant Classification Sherloc (09022015). Collection method: clinical testing. Allele origin: germline.
Comment: This sequence change replaces arginine, which is basic and polar, with histidine, which is basic and polar, at codon 332 of the KDM1A protein (p.Arg332His). This variant is present in population databases (no rsID available, gnomAD 0.006%). This variant has not been reported in the literature in individuals affected with KDM1A-related conditions. ClinVar contains an entry for this variant (Variation ID: 2097905). Invitae Evidence Modeling of protein sequence and biophysical properties (such as structural, functional, and spatial information, amino acid conservation, physicochemical variation, residue mobility, and thermodynamic stability) indicates that this missense variant is expected to disrupt KDM1A protein function with a positive predictive value of 80%. In summary, the available evidence is currently insufficient to determine the role of this variant in disease. Therefore, it has been classified as a Variant of Uncertain Significance.